The following is an entry in ClinVar:

ClinVar aggregate classification (germline): Pathogenic (1 of 4 stars; one submission).

Allele frequency attached by ClinVar (database versions not stated): gnomAD exomes below 0.00001; gnomAD 0.00001; TOPMed 0.00001.
gnomAD v4.1: 3 of 1,613,762 alleles (0.00019%); highest among the groups gnomAD compares: Admixed American, 0.0017%; no homozygotes.

Submission:

Labcorp Genetics (formerly Invitae), Labcorp
Classification: Pathogenic. Last evaluated: 2023-06-07. Review status: criteria provided, single submitter. Criteria: Invitae Variant Classification Sherloc (09022015). Collection method: clinical testing. Allele origin: germline.
Comment: This sequence change creates a premature translational stop signal (p.Arg189*) in the TPO gene. It is expected to result in an absent or disrupted protein product. Loss-of-function variants in TPO are known to be pathogenic (PMID: 11061528, 23236987, 25564141). This variant is present in population databases (no rsID available, gnomAD 0.0009%). For these reasons, this variant has been classified as Pathogenic. This variant has not been reported in the literature in individuals affected with TPO-related conditions.

Literature cited by the submitters: PubMed 11061528; PubMed 23236987; PubMed 25564141.

NM_001206744.2(TPO):c.565C>T (p.Arg189Ter)

Gene: TPO (thyroid peroxidase; plus strand). Cytogenetic location: 2p25.3.
Variant type: single nucleotide variant.
Coding change: c.565C>T on transcript NM_001206744.2 (MANE Select); coding-DNA position 565, C replaced by T.
Protein change: p.Arg189Ter; replaces arginine 189 with a stop codon.
Molecular consequence: nonsense.
Genome position (GRCh38, 1-based): chr2:1,453,776, C>T. VCF-style: chr2-1453776-C-T. GRCh37 (hg19) VCF-style: chr2-1457548-C-T.
Other names: c.565C>T, p.Arg189Ter (NM_000547.6, NM_001206745.2, NM_175719.4 and 2 more transcripts); short protein forms R189*.
Identifiers: ClinVar variation 2967093 (VCV002967093.3), dbSNP rs957075099, ClinGen allele CA41386728.